The following is an entry in ClinVar:

NM_006739.4(MCM5):c.975G>C (p.Leu325=)

Gene: MCM5 (minichromosome maintenance complex component 5; plus strand). Cytogenetic location: 22q12.3.
Variant type: single nucleotide variant.
Coding change: c.975G>C on transcript NM_006739.4 (MANE Select); coding-DNA position 975, G replaced by C.
Protein change: p.Leu325=; no amino-acid change (leucine 325 retained).
Molecular consequence: synonymous variant.
Genome position (GRCh38, 1-based): chr22:35,412,565, G>C. VCF-style: chr22-35412565-G-C. GRCh37 (hg19) VCF-style: chr22-35808558-G-C.
Other names: c.975G>C (NM_006739.3).
Identifiers: ClinVar variation 2766922 (VCV002766922.6), dbSNP rs908448958, ClinGen allele CA323491114.

ClinVar aggregate classification (germline): Likely benign. Review status: criteria provided, multiple submitters, no conflicts (2 of 4 stars). 3 submissions from 3 submitters: Likely benign (2). 1 of the submissions does not count toward it. Last evaluated 2025-07-22.

Conditions:
MCM5-related disorder. Also called: MCM5-related condition.

Allele frequency attached by ClinVar (database versions not stated): TOPMed 0.00002.

Submissions (3):

Labcorp Genetics (formerly Invitae), Labcorp
Classification: Likely benign. Last evaluated: 2025-07-22. Review status: criteria provided, single submitter. Criteria: Invitae Variant Classification Sherloc (09022015). Collection method: clinical testing. Allele origin: germline.

Blueprint Genetics
Classification: Likely benign. Last evaluated: 2021-08-17. Review status: criteria provided, single submitter. Criteria: ACMG Guidelines, 2015. Collection method: clinical testing. Allele origin: germline.

PreventionGenetics, part of Exact Sciences
Classification: Likely benign for MCM5-related condition. Last evaluated: 2019-02-26. Review status: no assertion criteria provided. Collection method: clinical testing. Allele origin: germline. Not counted in ClinVar's aggregate classification.
Comment: This variant is classified as likely benign based on ACMG/AMP sequence variant interpretation guidelines (Richards et al. 2015 PMID: 25741868, with internal and published modifications).